The following is an entry in ClinVar:

ClinVar aggregate classification (germline): Uncertain significance (1 of 4 stars; one submission).

Conditions:
Autosomal recessive polycystic kidney disease (ARPKD). Also called: AR polycystic kidney disease. Identifiers: Orphanet 731, Orphanet 8378, MedGen C0085548, MeSH D017044, MONDO:0009889.

Allele frequency attached by ClinVar (database versions not stated): gnomAD exomes 0.00001.
gnomAD v4.1: 7 of 1,612,218 alleles (0.00043%); highest among the groups gnomAD compares: Non-Finnish European, 0.00059%; no homozygotes.

Submission:

Labcorp Genetics (formerly Invitae), Labcorp
Classification: Uncertain significance for Autosomal recessive polycystic kidney disease. Last evaluated: 2023-08-22. Review status: criteria provided, single submitter. Criteria: Invitae Variant Classification Sherloc (09022015). Collection method: clinical testing. Allele origin: germline.
Comment: This sequence change replaces asparagine, which is neutral and polar, with isoleucine, which is neutral and non-polar, at codon 945 of the PKHD1 protein (p.Asn945Ile). In summary, the available evidence is currently insufficient to determine the role of this variant in disease. Therefore, it has been classified as a Variant of Uncertain Significance. Advanced modeling of protein sequence and biophysical properties (such as structural, functional, and spatial information, amino acid conservation, physicochemical variation, residue mobility, and thermodynamic stability) performed at Invitae indicates that this missense variant is not expected to disrupt PKHD1 protein function. This variant has not been reported in the literature in individuals affected with PKHD1-related conditions. This variant is not present in population databases (gnomAD no frequency).

NM_138694.4(PKHD1):c.2834A>T (p.Asn945Ile)

Gene: PKHD1 (PKHD1 ciliary IPT domain containing fibrocystin/polyductin; minus strand). Cytogenetic location: 6p12.2.
Variant type: single nucleotide variant.
Coding change: c.2834A>T on transcript NM_138694.4 (MANE Select); coding-DNA position 2834, A replaced by T.
Protein change: p.Asn945Ile; replaces asparagine 945 with isoleucine.
Molecular consequence: missense variant.
Genome position (GRCh38, 1-based): chr6:52,043,122, T>A on the plus strand (A>T on the coding strand, the complement: PKHD1 is on the minus strand). VCF-style: chr6-52043122-T-A. GRCh37 (hg19) VCF-style: chr6-51907920-T-A.
Other names: c.2834A>T, p.Asn945Ile (NM_170724.3); short protein forms N945I.
Identifiers: ClinVar variation 2706623 (VCV002706623.3), dbSNP rs2533051809, ClinGen allele CA364442462.